The following is an entry in ClinVar:

ClinVar aggregate classification (germline): Uncertain significance (1 of 4 stars; one submission).

gnomAD v4.1: 3 of 1,614,104 alleles (0.00019%); highest among the groups gnomAD compares: South Asian, 0.0033%; no homozygotes.

Submission:

Labcorp Genetics (formerly Invitae), Labcorp
Classification: Uncertain significance. Last evaluated: 2025-09-02. Review status: criteria provided, single submitter. Criteria: Invitae Variant Classification Sherloc (09022015). Collection method: clinical testing. Allele origin: germline.
Comment: This sequence change replaces serine, which is neutral and polar, with phenylalanine, which is neutral and non-polar, at codon 103 of the ELMOD3 protein (p.Ser103Phe). This variant is present in population databases (rs756870288, gnomAD 0.003%). This variant has not been reported in the literature in individuals affected with ELMOD3-related conditions. ClinVar contains an entry for this variant (Variation ID: 3695823). Invitae Evidence Modeling of protein sequence and biophysical properties (such as structural, functional, and spatial information, amino acid conservation, physicochemical variation, residue mobility, and thermodynamic stability) indicates that this missense variant is not expected to disrupt ELMOD3 protein function with a negative predictive value of 80%. In summary, the available evidence is currently insufficient to determine the role of this variant in disease. Therefore, it has been classified as a Variant of Uncertain Significance.

NM_001135022.2(ELMOD3):c.308C>T (p.Ser103Phe)

Gene: ELMOD3 (ELMO domain containing 3; plus strand). Cytogenetic location: 2p11.2.
Variant type: single nucleotide variant.
Coding change: c.308C>T on transcript NM_001135022.2 (MANE Select); coding-DNA position 308, C replaced by T.
Protein change: p.Ser103Phe; replaces serine 103 with phenylalanine.
Molecular consequence: missense variant. On other transcripts: non-coding transcript variant (3).
Genome position (GRCh38, 1-based): chr2:85,369,778, C>T. VCF-style: chr2-85369778-C-T. GRCh37 (hg19) VCF-style: chr2-85596901-C-T.
Other names: c.308C>T, p.Ser103Phe (NM_001135021.2, NM_001135023.2, NM_001329791.2 and 3 more transcripts); short protein forms S103F.
Identifiers: ClinVar variation 3695823 (VCV003695823.2).